The following is an entry in ClinVar:

ClinVar aggregate classification (germline): Uncertain significance (1 of 4 stars; one submission).

Conditions:
Encephalopathy, lethal, due to defective mitochondrial peroxisomal fission 1. Identifiers: Orphanet 330050, MedGen C3280660, MONDO:0013726, OMIM 614388.

Allele frequency attached by ClinVar (database versions not stated): gnomAD exomes below 0.00001.
gnomAD v4.1: 2 of 1,613,944 alleles (0.00012%); highest among the groups gnomAD compares: East Asian, 0.0022%; no homozygotes.

Submission:

MVZ Medizinische Genetik Mainz
Classification: Uncertain significance for Encephalopathy, lethal, due to defective mitochondrial peroxisomal fission 1. Last evaluated: 2023-08-16. Review status: criteria provided, single submitter. Criteria: UK Practice Guidelines For Variant Classification V4 01 2020. Collection method: clinical testing. Allele origin: germline. Inheritance: Autosomal recessive inheritance. Affected: yes. Observed: 1 variant allele.
Comment: ACMG Criteria: PM3,PM1_SUP,PM2_SUP; Compound Heterozygote

NM_012062.5(DNM1L):c.1916G>A (p.Arg639Gln)

Gene: DNM1L (dynamin 1 like; plus strand). Cytogenetic location: 12p11.21.
Variant type: single nucleotide variant.
Coding change: c.1916G>A on transcript NM_012062.5 (MANE Select); coding-DNA position 1916, G replaced by A.
Protein change: p.Arg639Gln; replaces arginine 639 with glutamine.
Molecular consequence: missense variant.
Genome position (GRCh38, 1-based): chr12:32,740,440, G>A. VCF-style: chr12-32740440-G-A. GRCh37 (hg19) VCF-style: chr12-32893374-G-A.
Other names: c.1883G>A, p.Arg628Gln (NM_001278463.2); c.1955G>A, p.Arg652Gln (NM_001278464.2); c.1922G>A, p.Arg641Gln (NM_001278465.2); c.1307G>A, p.Arg436Gln (NM_001278466.2); c.1844G>A, p.Arg615Gln (NM_001330380.2); c.1805G>A, p.Arg602Gln (NM_005690.5); c.1838G>A, p.Arg613Gln (NM_012063.4); short protein forms R436Q, R602Q, R613Q, R615Q, R628Q, R639Q, R641Q, R652Q.
Identifiers: ClinVar variation 3066175 (VCV003066175.1), dbSNP rs2541123686, ClinGen allele CA384364004.